The following is an entry in ClinVar:

ClinVar aggregate classification (germline): Uncertain significance. Review status: criteria provided, single submitter (1 of 4 stars). 3 submissions from 2 submitters: Uncertain significance (2). 1 of the submissions does not count toward it.

Conditions:
Transitory neonatal diabetes mellitus. Also called: Transient neonatal diabetes mellitus. Identifiers: MedGen C0342273, MONDO:0020525, HP:0008255.
Maturity-onset diabetes of the young (MODY). Also called: Maturity onset diabetes mellitus in young. Identifiers: Orphanet 552, MedGen C0342276, MONDO:0018911, HP:0004904.

Submissions (3):

Clinical Genomics, Uppaluri K&H Personalized Medicine Clinic
Classification: Uncertain significance for Maturity-onset diabetes of the young. Review status: criteria provided, single submitter. Criteria: K & H Uppaluri Personalized Medicine Clinic Variant Classification & Assertion Criteria_Updated V.1. Collection method: research. Allele origin: somatic. Inheritance: Somatic mutation.
Comment: Mutations in ABCC8 gene are associated with both neonatal diabetes mellitus as well as MODY. Patients with this mutation may have a better response to sulfonylureas. However, no sufficient evidence is found to ascertain the role of this particular variant ( rs863225279) in MODY yet.

Clinical Genomics, Uppaluri K&H Personalized Medicine Clinic
Classification: Uncertain significance for Transitory neonatal diabetes mellitus. Review status: criteria provided, single submitter. Criteria: K & H Uppaluri Personalized Medicine Clinic Variant Classification & Assertion Criteria_Updated V.1. Collection method: research. Allele origin: somatic. Inheritance: Somatic mutation.
Comment: Mutations in ABCC8 gene are associated with both neonatal diabetes mellitus as well as MODY. Patients with this mutation may have a better response to sulfonylureas. However, no sufficient evidence is found to ascertain the role of this particular variant (rs863225279 ) in neonatal diabetes yet.

Genomic Diagnostic Laboratory, Division of Genomic Diagnostics, Children's Hospital of Philadelphia
Classification: Pathogenic. Last evaluated: 2015-10-07. Review status: no assertion criteria provided. Collection method: clinical testing. Allele origin: germline. Observed: 1 variant allele. Not counted in ClinVar's aggregate classification.
Comment: Clinical Testing

Literature cited by the submitters: PubMed 16885549 (cited by Clinical Genomics, Uppaluri K&H Personalized Medicine Clinic); PubMed 21989597 (cited by Clinical Genomics, Uppaluri K&H Personalized Medicine Clinic); PubMed 27538677 (cited by Clinical Genomics, Uppaluri K&H Personalized Medicine Clinic); PubMed 18981553 (cited by Clinical Genomics, Uppaluri K&H Personalized Medicine Clinic); PubMed 32027066 (cited by Clinical Genomics, Uppaluri K&H Personalized Medicine Clinic); PubMed 16613899 (cited by Clinical Genomics, Uppaluri K&H Personalized Medicine Clinic); PubMed 18025408 (cited by Clinical Genomics, Uppaluri K&H Personalized Medicine Clinic); PubMed 32792356 (cited by Clinical Genomics, Uppaluri K&H Personalized Medicine Clinic).

NM_000352.6(ABCC8):c.4456_4457del (p.Arg1486fs)

Gene: ABCC8 (ATP binding cassette subfamily C member 8; minus strand). Cytogenetic location: 11p15.1.
Variant type: Microsatellite.
Coding change: c.4456_4457del on transcript NM_000352.6 (MANE Select); coding-DNA positions 4456 to 4457, 2 bases deleted (AG; older notation c.4456_4457delAG).
Protein change: p.Arg1486fs; shifts the reading frame from arginine 1486.
Molecular consequence: frameshift variant. On other transcripts: non-coding transcript variant (1).
Genome position (GRCh38, 1-based): chr11:17,394,354-17,394,355, CT deleted on the plus strand (AG on the coding strand, the reverse complement: ABCC8 is on the minus strand); deleting any 2 consecutive bases within chr11:17,394,354-17,394,357 gives the same sequence; the c. name uses the placement nearest the transcript's 3' end. VCF-style (leftmost placement, unchanged base first): chr11-17394353-CCT-C. GRCh37 (hg19) VCF-style: chr11-17415900-CCT-C.
Other names: c.4459_4460del, p.Arg1487fs (NM_001287174.3); c.4522_4523del, p.Arg1508fs (NM_001351295.2); c.4456_4457del, p.Arg1486fs (NM_001351296.2); c.4453_4454del, p.Arg1485fs (NM_001351297.2); short protein forms R1487fs, R1485fs, R1508fs, R1486fs.
Identifiers: ClinVar variation 217845 (VCV000217845.2), dbSNP rs863225279, ClinGen allele CA279602.